The following is an entry in ClinVar:

NM_001852.4(COL9A2):c.1300A>G (p.Lys434Glu)

Gene: COL9A2 (collagen type IX alpha 2 chain; minus strand). Cytogenetic location: 1p34.2.
Variant type: single nucleotide variant.
Coding change: c.1300A>G on transcript NM_001852.4 (MANE Select); coding-DNA position 1300, A replaced by G.
Protein change: p.Lys434Glu; replaces lysine 434 with glutamic acid.
Molecular consequence: missense variant.
Genome position (GRCh38, 1-based): chr1:40,304,087, T>C on the plus strand (A>G on the coding strand, the complement: COL9A2 is on the minus strand). VCF-style: chr1-40304087-T-C. GRCh37 (hg19) VCF-style: chr1-40769759-T-C.
Other names: short protein forms K434E.
Identifiers: ClinVar variation 3009405 (VCV003009405.3), dbSNP rs2522494073, ClinGen allele CA339880528.

ClinVar aggregate classification (germline): Uncertain significance (1 of 4 stars; one submission).

Submission:

Labcorp Genetics (formerly Invitae), Labcorp
Classification: Uncertain significance. Last evaluated: 2023-12-25. Review status: criteria provided, single submitter. Criteria: Invitae Variant Classification Sherloc (09022015). Collection method: clinical testing. Allele origin: germline.
Comment: This sequence change replaces lysine, which is basic and polar, with glutamic acid, which is acidic and polar, at codon 434 of the COL9A2 protein (p.Lys434Glu). This variant is not present in population databases (gnomAD no frequency). This variant has not been reported in the literature in individuals affected with COL9A2-related conditions. Advanced modeling of protein sequence and biophysical properties (such as structural, functional, and spatial information, amino acid conservation, physicochemical variation, residue mobility, and thermodynamic stability) performed at Invitae indicates that this missense variant is not expected to disrupt COL9A2 protein function with a negative predictive value of 95%. In summary, the available evidence is currently insufficient to determine the role of this variant in disease. Therefore, it has been classified as a Variant of Uncertain Significance.